The following is an entry in ClinVar:

NM_000069.3(CACNA1S):c.2361-15_2361-12del

Gene: CACNA1S (calcium voltage-gated channel subunit alpha1 S; minus strand). Cytogenetic location: 1q32.1.
Variant type: Deletion.
Coding change: c.2361-15_2361-12del on transcript NM_000069.3 (MANE Select); 15 bases into the intron before coding-DNA position 2361 through 12 bases into the intron before coding-DNA position 2361, 4 bases deleted (ACCT; older notation c.2361-15_2361-12delACCT).
Molecular consequence: intron variant.
Genome position (GRCh38, 1-based): chr1:201,069,613-201,069,616, AGGT deleted on the plus strand (ACCT on the coding strand, the reverse complement: CACNA1S is on the minus strand); deleting any 4 consecutive bases within chr1:201,069,613-201,069,619 gives the same sequence; the c. name uses the placement nearest the transcript's 3' end. VCF-style (leftmost placement, unchanged base first): chr1-201069612-GAGGT-G. GRCh37 (hg19) VCF-style: chr1-201038740-GAGGT-G.
Identifiers: ClinVar variation 3070234 (VCV003070234.3), dbSNP rs1572042717, ClinGen allele CA916380441.

ClinVar aggregate classification (germline): Conflicting classifications of pathogenicity. Review status: criteria provided, conflicting classifications (1 of 4 stars). 2 submissions from 2 submitters: Uncertain significance (1); Likely benign (1). Last evaluated 2025-01-11.

Conditions:
Malignant hyperthermia, susceptibility to, 5 (MHS5). Also called: CACNA1S-Related Malignant Hyperthermia Susceptibility. Identifiers: Orphanet 423, MedGen C1866077, MONDO:0011163, OMIM 601887.
Hypokalemic periodic paralysis, type 1. Also called: Hypokalemic Periodic Paralysis Type 1 (AD); HypoPP. Identifiers: Orphanet 681, MedGen C3714580, MONDO:0042979, OMIM 170400.

Submissions (2):

Labcorp Genetics (formerly Invitae), Labcorp
Classification: Likely benign for Hypokalemic periodic paralysis, type 1; Malignant hyperthermia, susceptibility to, 5. Last evaluated: 2025-01-11. Review status: criteria provided, single submitter. Criteria: Invitae Variant Classification Sherloc (09022015). Collection method: clinical testing. Allele origin: germline.

All of Us Research Program, National Institutes of Health
Classification: Uncertain significance for Malignant hyperthermia, susceptibility to, 5. Last evaluated: 2023-04-03. Review status: criteria provided, single submitter. Criteria: ACMG Guidelines, 2015. Collection method: clinical testing. Allele origin: germline. Inheritance: Autosomal dominant inheritance. Observed: 1 variant allele, 1 heterozygote.
Comment: This variant causes the deletion of 4 nucleotides from the -15 to -12 position in intron 17 of the CACNA1S gene. To our knowledge, RNA studies have not been reported for this variant. This variant has not been reported in individuals affected with CACNA1S-related disorders in the literature. This variant has not been identified in the general population by the Genome Aggregation Database (gnomAD). The available evidence is insufficient to determine the role of this variant in disease conclusively. Therefore, this variant is classified as a Variant of Uncertain Significance.

This study involves interpretation of variants in research participants for the purpose of population health screening. Participant phenotype was not available at the time of variant classification. Additional details can be found in publication PMID: 35346344, PMCID: PMC8962531